The following is an entry in ClinVar:

ClinVar aggregate classification (germline): Likely benign. Review status: criteria provided, single submitter (1 of 4 stars). 2 submissions from 2 submitters: Likely benign (1). 1 of the submissions does not count toward it. Last evaluated 2025-07-14.

Conditions:
PEX1-related disorder. Also called: PEX1-related condition.
Zellweger spectrum disorders (ZS). Also called: Zellweger Spectrum Disorder (ZSD); Zellweger syndrome; Zellweger Spectrum Disorder; Zellweger Spectrum. Identifiers: Orphanet 912, MedGen C0043459, MONDO:0019609.

Allele frequency attached by ClinVar (database versions not stated): 1000 Genomes Project 30x 0.00016.
gnomAD v4.1: 18 of 1,613,250 alleles (0.0011%); highest among the groups gnomAD compares: East Asian, 0.031%; no homozygotes.

Submissions (2):

Labcorp Genetics (formerly Invitae), Labcorp
Classification: Likely benign for Zellweger spectrum disorders. Last evaluated: 2025-07-14. Review status: criteria provided, single submitter. Criteria: Invitae Variant Classification Sherloc (09022015). Collection method: clinical testing. Allele origin: germline.

PreventionGenetics, part of Exact Sciences
Classification: Uncertain significance for PEX1-related condition. Last evaluated: 2024-01-01. Review status: no assertion criteria provided. Collection method: clinical testing. Allele origin: germline. Not counted in ClinVar's aggregate classification.
Comment: The PEX1 c.1142C>G variant is predicted to result in the amino acid substitution p.Ala381Gly. To our knowledge, this variant has not been reported in the literature. This variant is reported in 0.045% of alleles in individuals of East Asian descent in gnomAD. At this time, the clinical significance of this variant is uncertain due to the absence of conclusive functional and genetic evidence.

NM_000466.3(PEX1):c.1142C>G (p.Ala381Gly)

Gene: PEX1 (peroxisomal biogenesis factor 1; minus strand). Cytogenetic location: 7q21.2.
Variant type: single nucleotide variant.
Coding change: c.1142C>G on transcript NM_000466.3 (MANE Select); coding-DNA position 1142, C replaced by G.
Protein change: p.Ala381Gly; replaces alanine 381 with glycine.
Molecular consequence: missense variant.
Genome position (GRCh38, 1-based): chr7:92,517,373, G>C on the plus strand (C>G on the coding strand, the complement: PEX1 is on the minus strand). VCF-style: chr7-92517373-G-C. GRCh37 (hg19) VCF-style: chr7-92146687-G-C.
Other names: c.1142C>G, p.Ala381Gly (NM_001282677.2); c.518C>G, p.Ala173Gly (NM_001282678.2); c.1142C>G (NM_000466.2); short protein forms A173G, A381G.
Identifiers: ClinVar variation 2069742 (VCV002069742.6), dbSNP rs73404416, ClinGen allele CA4341482.